The following is an entry in ClinVar:

NM_004656.4(BAP1):c.639_643dup (p.Gly215fs)

Gene: BAP1 (BRCA1 associated deubiquitinase 1; minus strand). Cytogenetic location: 3p21.1.
Variant type: Duplication.
Coding change: c.639_643dup on transcript NM_004656.4 (MANE Select); coding-DNA positions 639 to 643, 5 bases duplicated (TATCG; older notation c.639_643dupTATCG).
Protein change: p.Gly215fs; shifts the reading frame from glycine 215.
Molecular consequence: frameshift variant.
Genome position (GRCh38, 1-based): chr3:52,406,845-52,406,849, CGATA duplicated on the plus strand (TATCG on the coding strand, the reverse complement: BAP1 is on the minus strand); duplicating any 5 consecutive bases within chr3:52,406,845-52,406,851 gives the same sequence; the c. name uses the placement nearest the transcript's 3' end. VCF-style (leftmost placement, unchanged base first): chr3-52406844-C-CCGATA. GRCh37 (hg19) VCF-style: chr3-52440860-C-CCGATA.
Other names: c.639_643dup, p.Gly215fs (NM_001410772.1); short protein forms G215fs.
Identifiers: ClinVar variation 2768287 (VCV002768287.3), dbSNP rs2471346883, ClinGen allele CA2697556693.

ClinVar aggregate classification (germline): Pathogenic (1 of 4 stars; one submission).

Conditions:
BAP1-related tumor predisposition syndrome (TPDS1). Also called: COMMON Syndrome; TUMOR PREDISPOSITION SYNDROME 1; Tumor susceptibility linked to germline BAP1 mutations; BAP1 tumor predisposition syndrome. Identifiers: Orphanet 289539, MedGen C3280492, MONDO:0013692, OMIM 614327.

Submission:

Labcorp Genetics (formerly Invitae), Labcorp
Classification: Pathogenic for BAP1-related tumor predisposition syndrome. Last evaluated: 2023-10-14. Review status: criteria provided, single submitter. Criteria: Invitae Variant Classification Sherloc (09022015). Collection method: clinical testing. Allele origin: germline.
Comment: This sequence change creates a premature translational stop signal (p.Gly215Valfs*18) in the BAP1 gene. It is expected to result in an absent or disrupted protein product. Loss-of-function variants in BAP1 are known to be pathogenic (PMID: 21874000, 23684012). This variant is not present in population databases (gnomAD no frequency). This variant has not been reported in the literature in individuals affected with BAP1-related conditions. For these reasons, this variant has been classified as Pathogenic.

Literature cited by the submitters: PubMed 21874000; PubMed 23684012.